The following is an entry in ClinVar:

NM_006767.4(LZTR1):c.137G>A (p.Gly46Glu)

Gene: LZTR1 (leucine zipper like post translational regulator 1; plus strand). Cytogenetic location: 22q11.21.
Variant type: single nucleotide variant.
Coding change: c.137G>A on transcript NM_006767.4 (MANE Select); coding-DNA position 137, G replaced by A.
Protein change: p.Gly46Glu; replaces glycine 46 with glutamic acid.
Molecular consequence: missense variant.
Genome position (GRCh38, 1-based): chr22:20,982,508, G>A. VCF-style: chr22-20982508-G-A. GRCh37 (hg19) VCF-style: chr22-21336797-G-A.
Other names: short protein forms G46E.
Identifiers: ClinVar variation 4859424 (VCV004859424.1).
Genomic context (GRCh38, chr22:20,982,508, plus strand): 5'-CGAGCGTGGACTTCGACCATAGCTGCTCGGACAGTGTCGAGTACCTGACGCTCAACTTCG[G>A]GCCCTTCGAAACAGTGCATCGCTGGCGGCGCCTCCCGCCCTGCGACGAGTTCGTGGGTGC-3'
Protein context (NP_006758.2, residues 36-56): DSVEYLTLNF[Gly46Glu]PFETVHRWRR

ClinVar aggregate classification (germline): Uncertain significance (1 of 4 stars; one submission).

Conditions:
Cardiovascular phenotype. Identifiers: MedGen CN230736.
Hereditary cancer-predisposing syndrome. Also called: Neoplastic Syndromes, Hereditary; Tumor predisposition; Hereditary Cancer Syndrome; Hereditary neoplastic syndrome. Identifiers: Orphanet 140162, MedGen C0027672, MeSH D009386, MONDO:0015356.

Submission:

Ambry Genetics
Classification: Uncertain significance for Cardiovascular phenotype; Hereditary cancer-predisposing syndrome. Last evaluated: 2026-05-31. Review status: criteria provided, single submitter. Criteria: Ambry Variant Classification Scheme 2023. Collection method: clinical testing. Allele origin: germline.
Comment: The p.G46E variant (also known as c.137G>A), located in coding exon 1 of the LZTR1 gene, results from a G to A substitution at nucleotide position 137. The glycine at codon 46 is replaced by glutamic acid, an amino acid with similar properties. This amino acid position is conserved. In addition, the in silico prediction for this alteration is inconclusive. Based on the available evidence, the clinical significance of this variant remains unclear.